The following is an entry in ClinVar:

ClinVar aggregate classification (germline): Uncertain significance (1 of 4 stars; one submission).

Allele frequency attached by ClinVar (database versions not stated): gnomAD exomes below 0.00001; ExAC 0.00001.
gnomAD v4.1: 1 of 1,614,024 alleles (0.000062%); highest among the groups gnomAD compares: Admixed American, 0.0017%; no homozygotes.

Submission:

Labcorp Genetics (formerly Invitae), Labcorp
Classification: Uncertain significance. Last evaluated: 2024-05-15. Review status: criteria provided, single submitter. Criteria: Invitae Variant Classification Sherloc (09022015). Collection method: clinical testing. Allele origin: germline.
Comment: This sequence change replaces proline, which is neutral and non-polar, with serine, which is neutral and polar, at codon 1111 of the CYFIP2 protein (p.Pro1111Ser). This variant is present in population databases (rs776663646, gnomAD 0.003%). This variant has not been reported in the literature in individuals affected with CYFIP2-related conditions. Experimental studies and prediction algorithms are not available or were not evaluated, and the functional significance of this variant is currently unknown. In summary, the available evidence is currently insufficient to determine the role of this variant in disease. Therefore, it has been classified as a Variant of Uncertain Significance.

NM_001037333.3(CYFIP2):c.3331C>T (p.Pro1111Ser)

Genes: CYFIP2 (cytoplasmic FMR1 interacting protein 2; plus strand), NIPAL4-DT (NIPAL4 divergent transcript; minus strand). Cytogenetic location: 5q33.3.
Variant type: single nucleotide variant.
Coding change: c.3331C>T on transcript NM_001037333.3 (MANE Select); coding-DNA position 3331, C replaced by T.
Protein change: p.Pro1111Ser; replaces proline 1111 with serine.
Molecular consequence: missense variant.
Genome position (GRCh38, 1-based): chr5:157,389,312, C>T. VCF-style: chr5-157389312-C-T. GRCh37 (hg19) VCF-style: chr5-156816320-C-T.
Other names: c.3253C>T, p.Pro1085Ser (NM_001291721.2); c.3406C>T, p.Pro1136Ser (NM_001291722.2); c.3331C>T, p.Pro1111Ser (NM_014376.4); short protein forms P1085S, P1111S, P1136S.
Identifiers: ClinVar variation 2970600 (VCV002970600.3), dbSNP rs776663646, ClinGen allele CA3534334.